The following is an entry in ClinVar:

ClinVar aggregate classification (germline): Uncertain significance (1 of 4 stars; one submission).

Allele frequency attached by ClinVar (database versions not stated): gnomAD exomes 0.00001; ExAC 0.00002.
gnomAD v4.1: 4 of 1,612,784 alleles (0.00025%); highest among the groups gnomAD compares: Admixed American, 0.005%; no homozygotes.

Submission:

Women's Health and Genetics/Laboratory Corporation of America, LabCorp
Classification: Uncertain significance. Last evaluated: 2025-08-20. Review status: criteria provided, single submitter. Criteria: LabCorp Variant Classification Summary - May 2015. Collection method: clinical testing. Allele origin: germline.
Comment: Variant summary: EIF2AK2 c.1504A>G (p.Ile502Val) results in a conservative amino acid change located in the Protein kinase domain (IPR000719) of the encoded protein sequence. Algorithms developed to predict the effect of missense changes on protein structure and function all suggest that this variant is likely to be tolerated. The variant allele was found at a frequency of 1.6e-05 in 249790 control chromosomes. The available data on variant occurrences in the general population are insufficient to allow any conclusion about variant significance. To our knowledge, no occurrence of c.1504A>G in individuals affected with Leukoencephalopathy, Developmental Delay, And Episodic Neurologic Regression Syndrome and no experimental evidence demonstrating its impact on protein function have been reported. ClinVar contains an entry for this variant (Variation ID: 1704514). Based on the evidence outlined above, the variant was classified as uncertain significance.

NM_001135651.3(EIF2AK2):c.1504A>G (p.Ile502Val)

Gene: EIF2AK2 (eukaryotic translation initiation factor 2 alpha kinase 2; minus strand). Cytogenetic location: 2p22.2.
Variant type: single nucleotide variant.
Coding change: c.1504A>G on transcript NM_001135651.3 (MANE Select); coding-DNA position 1504, A replaced by G.
Protein change: p.Ile502Val; replaces isoleucine 502 with valine.
Molecular consequence: missense variant.
Genome position (GRCh38, 1-based): chr2:37,107,503, T>C on the plus strand (A>G on the coding strand, the complement: EIF2AK2 is on the minus strand). VCF-style: chr2-37107503-T-C. GRCh37 (hg19) VCF-style: chr2-37334646-T-C.
Other names: c.1381A>G, p.Ile461Val (NM_001135652.3); c.1504A>G, p.Ile502Val (NM_002759.4); short protein forms I461V, I502V.
Identifiers: ClinVar variation 1704514 (VCV001704514.2), dbSNP rs768805126, ClinGen allele CA1614963.